The following is an entry in ClinVar:

NM_182914.3(SYNE2):c.238C>T (p.Pro80Ser)

Gene: SYNE2 (spectrin repeat containing nuclear envelope protein 2; plus strand). Cytogenetic location: 14q23.2.
Variant type: single nucleotide variant.
Coding change: c.238C>T on transcript NM_182914.3 (MANE Select); coding-DNA position 238, C replaced by T.
Protein change: p.Pro80Ser; replaces proline 80 with serine.
Molecular consequence: missense variant.
Genome position (GRCh38, 1-based): chr14:63,941,885, C>T. VCF-style: chr14-63941885-C-T. GRCh37 (hg19) VCF-style: chr14-64408603-C-T.
Other names: c.238C>T, p.Pro80Ser (NM_015180.6); short protein forms P80S.
Identifiers: ClinVar variation 653291 (VCV000653291.8), dbSNP rs1595771772, ClinGen allele CA389935487.

ClinVar aggregate classification (germline): Uncertain significance (1 of 4 stars; one submission).

Conditions:
Emery-Dreifuss muscular dystrophy 5, autosomal dominant (EDMD5). Also called: EMERY-DREIFUSS MUSCULAR DYSTROPHY 5. Identifiers: Orphanet 261, MedGen C2751805, MONDO:0013072, OMIM 612999.

Allele frequency attached by ClinVar (database versions not stated): gnomAD exomes below 0.00001.
gnomAD v4.1: 1 of 1,613,184 alleles (0.000062%); highest among the groups gnomAD compares: African/African-American, 0.0013%; no homozygotes.

Submission:

Labcorp Genetics (formerly Invitae), Labcorp
Classification: Uncertain significance for Emery-Dreifuss muscular dystrophy 5, autosomal dominant. Last evaluated: 2020-02-10. Review status: criteria provided, single submitter. Criteria: Invitae Variant Classification Sherloc (09022015). Collection method: clinical testing. Allele origin: germline.
Comment: This sequence change replaces proline with serine at codon 80 of the SYNE2 protein (p.Pro80Ser). The proline residue is weakly conserved and there is a moderate physicochemical difference between proline and serine. This variant is not present in population databases (ExAC no frequency). This variant has not been reported in the literature in individuals with SYNE2-related disease. Algorithms developed to predict the effect of missense changes on protein structure and function are either unavailable or do not agree on the potential impact of this missense change (SIFT: "Tolerated"; PolyPhen-2: "Probably Damaging"; Align-GVGD: "Class C0"). In summary, the available evidence is currently insufficient to determine the role of this variant in disease. Therefore, it has been classified as a Variant of Uncertain Significance.